The following is an entry in ClinVar:

ClinVar aggregate classification (germline): no classifications from unflagged records (0 of 4 stars; one submission).

Conditions:
Platelet-type bleeding disorder 19 (BDPLT19). Identifiers: Orphanet 438207, MedGen C4015405, MONDO:0014518, OMIM 616176.

Submission:

OMIM
Classification: Pathogenic for BLEEDING DISORDER, PLATELET-TYPE, 19 (1 family). Last evaluated: 2014-10-16. Review status: flagged submission. Collection method: literature only. Allele origin: germline.
ClinVar note: Notes: Flagging candidate with reason of insufficient supporting evidence. The gene-disease relationship has been disputed by a ClinGen Expert Panel.
ClinVar note: Reason: P/LP classification for a variant in a gene with insufficient evidence for a gene-disease relationship

Literature cited by the submitters: PubMed 25061177; PubMed 29941673.

NM_002732.4(PRKACG):c.222C>G (p.Ile74Met)

Gene: PRKACG (protein kinase cAMP-activated catalytic subunit gamma; minus strand). Cytogenetic location: 9q21.11.
Variant type: single nucleotide variant.
Coding change: c.222C>G on transcript NM_002732.4 (MANE Select); coding-DNA position 222, C replaced by G.
Protein change: p.Ile74Met; replaces isoleucine 74 with methionine.
Molecular consequence: missense variant.
Genome position (GRCh38, 1-based): chr9:69,013,871, G>C on the plus strand (C>G on the coding strand, the complement: PRKACG is on the minus strand). VCF-style: chr9-69013871-G-C. GRCh37 (hg19) VCF-style: chr9-71628787-G-C.
Other names: short protein forms I74M.
Identifiers: ClinVar variation 162394 (VCV000162394.2), dbSNP rs724159972, ClinGen allele CA214539.